The following is an entry in ClinVar:

NM_001367624.2(ZNF469):c.6978CTC[1] (p.Ser2328del)

Gene: ZNF469 (zinc finger protein 469; plus strand). Cytogenetic location: 16q24.2.
Variant type: Microsatellite.
Coding change: c.6978CTC[1] on transcript NM_001367624.2 (MANE Select); one copy of the 3-base unit CTC starting at c.6978; the reference has two copies in a row; one copy, 3 bases deleted.
Protein change: p.Ser2328del; deletes serine 2328.
Molecular consequence: inframe deletion.
Genome position (GRCh38, 1-based): chr16:88,434,451-88,434,453, CTC deleted; deleting any 3 consecutive bases within chr16:88,434,448-88,434,453 gives the same sequence; the position shown is the placement nearest the transcript's 3' end. VCF-style (leftmost placement, unchanged base first): chr16-88434447-ACTC-A. GRCh37 (hg19) VCF-style: chr16-88500855-ACTC-A.
Other names: NM_001127464.1:c.6897_6899delCTC; NM_001127464.1:c.6897_6899del; short protein forms S2328del.
Identifiers: ClinVar variation 1029106 (VCV001029106.9), dbSNP rs1215843229, ClinGen allele CA624447617.
Genomic context (GRCh38, chr16:88,434,447, plus strand): 5'-CAGACCCCCAGAGCAGGGGAGCCCCGCCCCACACCAACCCTGACAGGATGCCCAGGGGCC[ACTC>A]CTCGTATTCTCCAAGCAATACTGCCCGCCTCGGCCACAGGGAGGGCCAGGCTGTCACAGC-3'

ClinVar aggregate classification (germline): Uncertain significance. Review status: criteria provided, multiple submitters, no conflicts (2 of 4 stars). 5 submissions from 5 submitters: Uncertain significance (5). Last evaluated 2025-03-21.

Conditions:
Brittle cornea syndrome 1 (BCS1). Also called: DYSGENESIS MESODERMALIS CORNEAE ET SCLERAE; CORNEAL FRAGILITY, KERATOGLOBUS, BLUE SCLERAE, JOINT HYPEREXTENSIBILITY; EDS6B; FRAGILITAS OCULI WITH JOINT HYPEREXTENSIBILITY; Corneal fragility keratoglobus, blue sclerae AND joint hypermobility. Identifiers: Orphanet 90354, MedGen C0268344, MONDO:0024543, OMIM 229200.
Cardiovascular phenotype. Identifiers: MedGen CN230736.

Submissions (5):

Ambry Genetics
Classification: Uncertain significance for Cardiovascular phenotype. Last evaluated: 2025-03-21. Review status: criteria provided, single submitter. Criteria: Ambry Variant Classification Scheme 2023. Collection method: clinical testing. Allele origin: germline.
Comment: The c.6897_6899delCTC variant (also known as p.S2300del) is located in coding exon 2 of the ZNF469 gene. This variant results from an in-frame CTC deletion at nucleotide positions 6897 to 6899. This results in the in-frame deletion of a serine at codon 2300. This amino acid position is not well conserved in available vertebrate species. In addition, this alteration is predicted to be neutral by in silico analysis (Choi Y et al. PLoS ONE. 2012; 7(10):e46688). Since supporting evidence is limited at this time, the clinical significance of this alteration remains unclear.

GeneDx
Classification: Uncertain significance. Last evaluated: 2024-11-07. Review status: criteria provided, single submitter. Criteria: GeneDx Variant Classification Process June 2021. Collection method: clinical testing. Allele origin: germline.
Comment: Has not been previously published as pathogenic or benign to our knowledge; In-frame deletion of 1 amino acid in a non-repeat region; In silico analysis indicates that this variant does not alter protein structure/function

Blueprint Genetics
Classification: Uncertain significance. Last evaluated: 2024-07-04. Review status: criteria provided, single submitter. Criteria: ACMG Guidelines, 2015. Collection method: clinical testing. Allele origin: germline.

Labcorp Genetics (formerly Invitae), Labcorp
Classification: Uncertain significance. Last evaluated: 2022-07-18. Review status: criteria provided, single submitter. Criteria: Invitae Variant Classification Sherloc (09022015). Collection method: clinical testing. Allele origin: germline.
Comment: This variant, c.6897_6899del, results in the deletion of 1 amino acid(s) of the ZNF469 protein (p.Ser2300del), but otherwise preserves the integrity of the reading frame. This variant is present in population databases (no rsID available, gnomAD 0.02%). This variant has not been reported in the literature in individuals affected with ZNF469-related conditions. Experimental studies and prediction algorithms are not available or were not evaluated, and the functional significance of this variant is currently unknown. In summary, the available evidence is currently insufficient to determine the role of this variant in disease. Therefore, it has been classified as a Variant of Uncertain Significance.

Baylor Genetics
Classification: Uncertain significance for Brittle cornea syndrome 1. Last evaluated: 2019-03-22. Review status: criteria provided, single submitter. Criteria: ACMG Guidelines, 2015. Collection method: clinical testing. Allele origin: unknown. Affected: yes.
Comment: This variant was determined to be of uncertain significance according to ACMG Guidelines, 2015 [PMID:25741868].